The following is an entry in ClinVar:

ClinVar aggregate classification (germline): Uncertain significance (1 of 4 stars; one submission).

Allele frequency attached by ClinVar (database versions not stated): 1000 Genomes Project 30x 0.00016; 1000 Genomes Project 0.00020.
gnomAD v4.1: 57 of 1,614,174 alleles (0.0035%); highest among the groups gnomAD compares: Middle Eastern, 0.017%; no homozygotes.

Submission:

Labcorp Genetics (formerly Invitae), Labcorp
Classification: Uncertain significance. Last evaluated: 2025-10-14. Review status: criteria provided, single submitter. Criteria: Invitae Variant Classification Sherloc (09022015). Collection method: clinical testing. Allele origin: germline.
Comment: This sequence change replaces valine, which is neutral and non-polar, with isoleucine, which is neutral and non-polar, at codon 203 of the DSCAML1 protein (p.Val203Ile). This variant is present in population databases (rs554359582, gnomAD 0.01%). This variant has not been reported in the literature in individuals affected with DSCAML1-related conditions. ClinVar contains an entry for this variant (Variation ID: 2050913). An algorithm developed to predict the effect of missense changes on protein structure and function (PolyPhen-2) suggests that this variant is likely to be tolerated. In summary, the available evidence is currently insufficient to determine the role of this variant in disease. Therefore, it has been classified as a Variant of Uncertain Significance.

NM_020693.4(DSCAML1):c.427G>A (p.Val143Ile)

Gene: DSCAML1 (DS cell adhesion molecule like 1; minus strand). Cytogenetic location: 11q23.3.
Variant type: single nucleotide variant.
Coding change: c.427G>A on transcript NM_020693.4 (MANE Select); coding-DNA position 427, G replaced by A.
Protein change: p.Val143Ile; replaces valine 143 with isoleucine.
Molecular consequence: missense variant.
Genome position (GRCh38, 1-based): chr11:117,776,875, C>T on the plus strand (G>A on the coding strand, the complement: DSCAML1 is on the minus strand). VCF-style: chr11-117776875-C-T. GRCh37 (hg19) VCF-style: chr11-117647590-C-T.
Other names: c.427G>A, p.Val143Ile (NM_001367904.1); c.19G>A, p.Val7Ile (NM_001367905.1); short protein forms V143I, V7I.
Identifiers: ClinVar variation 2050913 (VCV002050913.4), dbSNP rs554359582, ClinGen allele CA6297567.